The following is an entry in ClinVar:

NM_000540.3(RYR1):c.2610G>A (p.Arg870=)

Gene: RYR1 (ryanodine receptor 1; plus strand). Cytogenetic location: 19q13.2.
Variant type: single nucleotide variant.
Coding change: c.2610G>A on transcript NM_000540.3 (MANE Select); coding-DNA position 2610, G replaced by A.
Protein change: p.Arg870=; no amino-acid change (arginine 870 retained).
Molecular consequence: synonymous variant.
Genome position (GRCh38, 1-based): chr19:38,463,455, G>A. VCF-style: chr19-38463455-G-A. GRCh37 (hg19) VCF-style: chr19-38954095-G-A.
Other names: c.2610G>A, p.Arg870= (NM_001042723.2).
Identifiers: ClinVar variation 3387668 (VCV003387668.1).

ClinVar aggregate classification (germline): Likely benign (1 of 4 stars; one submission).

Conditions:
Malignant hyperthermia, susceptibility to, 1 (MHS1). Also called: Anesthesia related hyperthermia; Malignant hyperpyrexia; Fulminating hyperpyrexia; Pharmacogenic myopathy; RYR1-Related Malignant Hyperthermia Susceptibility; Malignant hyperthermia suceptibility 1. Identifiers: Orphanet 423, MedGen C2930980, MONDO:0007783, OMIM 145600.

Submission:

All of Us Research Program, National Institutes of Health
Classification: Likely benign for Malignant hyperthermia, susceptibility to, 1. Last evaluated: 2024-05-14. Review status: criteria provided, single submitter. Criteria: ACMG Guidelines, 2015. Collection method: clinical testing. Allele origin: germline. Inheritance: Autosomal dominant inheritance. Observed: 1 variant allele, 1 heterozygote.
Comment: This study involves interpretation of variants in research participants for the purpose of population health screening. Participant phenotype was not available at the time of variant classification. Additional details can be found in publication PMID: 35346344, PMCID: PMC8962531